The following is an entry in ClinVar:

NM_001370259.2(MEN1):c.1060T>C (p.Cys354Arg)

Gene: MEN1 (menin 1; minus strand). Cytogenetic location: 11q13.1.
Variant type: single nucleotide variant.
Coding change: c.1060T>C on transcript NM_001370259.2 (MANE Select); coding-DNA position 1060, T replaced by C.
Protein change: p.Cys354Arg; replaces cysteine 354 with arginine.
Molecular consequence: missense variant.
Genome position (GRCh38, 1-based): chr11:64,805,760, A>G on the plus strand (T>C on the coding strand, the complement: MEN1 is on the minus strand). VCF-style: chr11-64805760-A-G. GRCh37 (hg19) VCF-style: chr11-64573232-A-G.
Other names: c.1075T>C, p.Cys359Arg (NM_000244.4, NM_130800.3, NM_130801.3 and 3 more transcripts); c.1186T>C, p.Cys396Arg (NM_001370251.2); c.1060T>C, p.Cys354Arg (NM_001370260.2, NM_001370261.2, NM_130799.3); c.955T>C, p.Cys319Arg (NM_001370262.2, NM_001370263.2); short protein forms C354R, C359R, C319R, C396R.
Identifiers: ClinVar variation 485720 (VCV000485720.12), dbSNP rs371503251, ClinGen allele CA059880.

ClinVar aggregate classification (germline): Conflicting classifications of pathogenicity. Review status: criteria provided, conflicting classifications (1 of 4 stars). 3 submissions from 3 submitters: Uncertain significance (2); Likely benign (1). Last evaluated 2025-11-24.

Conditions:
Hereditary cancer-predisposing syndrome. Also called: Tumor predisposition; Neoplastic Syndromes, Hereditary; Hereditary Cancer Syndrome; Hereditary neoplastic syndrome. Identifiers: Orphanet 140162, MedGen C0027672, MeSH D009386, MONDO:0015356.
Multiple endocrine neoplasia, type 1 (MEN1). Also called: MEA I; MEN I; WERMER SYNDROME; Endocrine adenomatosis multiple; MEN 1. Identifiers: Orphanet 652, MedGen C0025267, MeSH D018761, MONDO:0007540, OMIM 131100.

Allele frequency attached by ClinVar (database versions not stated): gnomAD exomes below 0.00001; ExAC 0.00001; gnomAD 0.00001; TOPMed 0.00001; ESP Exome Variant Server 0.00008.
gnomAD v4.1: 2 of 1,611,260 alleles (0.00012%); highest among the groups gnomAD compares: Non-Finnish European, 0.00017%; no homozygotes.

Submissions (3):

Labcorp Genetics (formerly Invitae), Labcorp
Classification: Likely benign for Multiple endocrine neoplasia, type 1. Last evaluated: 2025-11-24. Review status: criteria provided, single submitter. Criteria: Invitae Variant Classification Sherloc (09022015). Collection method: clinical testing. Allele origin: germline.

Color Diagnostics, LLC DBA Color Health
Classification: Uncertain significance for Multiple endocrine neoplasia, type 1. Last evaluated: 2025-07-03. Review status: criteria provided, single submitter. Criteria: ACMG Guidelines, 2015. Collection method: clinical testing. Allele origin: germline.
Comment: This missense variant replaces cysteine with arginine at codon 354 of the MEN1 protein. Computational prediction is inconclusive regarding the impact of this variant on protein structure and function. To our knowledge, functional studies have not been reported for this variant. This variant has not been reported in individuals affected with MEN1-related disorders in the literature. This variant has been identified in 1/251480 chromosomes in the general population by the Genome Aggregation Database (gnomAD). The available evidence is insufficient to determine the role of this variant in disease conclusively. Therefore, this variant is classified as a Variant of Uncertain Significance.

Ambry Genetics
Classification: Uncertain significance for Hereditary cancer-predisposing syndrome. Last evaluated: 2024-05-02. Review status: criteria provided, single submitter. Criteria: Ambry Variant Classification Scheme 2023. Collection method: clinical testing. Allele origin: germline.
Comment: The p.C354R variant (also known as c.1060T>C), located in coding exon 7 of the MEN1 gene, results from a T to C substitution at nucleotide position 1060. The cysteine at codon 354 is replaced by arginine, an amino acid with highly dissimilar properties. This amino acid position is well conserved in available vertebrate species. In addition, the in silico prediction for this alteration is inconclusive. Since supporting evidence is limited at this time, the clinical significance of this alteration remains unclear.